The following is an entry in ClinVar:

NM_000553.6(WRN):c.3897C>A (p.Cys1299Ter)

Gene: WRN (WRN RecQ like helicase; plus strand). Cytogenetic location: 8p12.
Variant type: single nucleotide variant.
Coding change: c.3897C>A on transcript NM_000553.6 (MANE Select); coding-DNA position 3897, C replaced by A.
Protein change: p.Cys1299Ter; replaces cysteine 1299 with a stop codon.
Molecular consequence: nonsense.
Genome position (GRCh38, 1-based): chr8:31,157,445, C>A. VCF-style: chr8-31157445-C-A. GRCh37 (hg19) VCF-style: chr8-31014961-C-A.
Other names: short protein forms C1299*.
Identifiers: ClinVar variation 2876899 (VCV002876899.3), dbSNP rs773822420, ClinGen allele CA370929439.
Genomic context (GRCh38, chr8:31,157,445, plus strand): 5'-CAGGATTCTGCCTCTCATGACAATTGGCATGCACTTATCCCAAGCGGTGAAAGCTGGCTG[C>A]CCCCTTGATTTGGAGCGAGCAGGCCTGACTCCAGAGGTTCAGAAGATTATTGCTGATGTT-3'

ClinVar aggregate classification (germline): Pathogenic (1 of 4 stars; one submission).

Conditions:
Werner syndrome (WRN). Identifiers: Orphanet 902, MedGen C0043119, MONDO:0010196, OMIM 277700.

Submission:

Labcorp Genetics (formerly Invitae), Labcorp
Classification: Pathogenic for Werner syndrome. Last evaluated: 2023-03-03. Review status: criteria provided, single submitter. Criteria: Invitae Variant Classification Sherloc (09022015). Collection method: clinical testing. Allele origin: germline.
Comment: For these reasons, this variant has been classified as Pathogenic. This variant has not been reported in the literature in individuals affected with WRN-related conditions. This variant is not present in population databases (gnomAD no frequency). This sequence change creates a premature translational stop signal (p.Cys1299*) in the WRN gene. It is expected to result in an absent or disrupted protein product. Loss-of-function variants in WRN are known to be pathogenic (PMID: 16673358).

Literature cited by the submitters: PubMed 16673358.